The following is an entry in ClinVar:

NM_003823.4(TNFRSF6B):c.476C>T (p.Ser159Leu)

Genes: RTEL1-TNFRSF6B (RTEL1-TNFRSF6B readthrough (NMD candidate); plus strand), TNFRSF6B (TNF receptor superfamily member 6b; plus strand). Cytogenetic location: 20q13.33.
Variant type: single nucleotide variant.
Coding change: c.476C>T on transcript NM_003823.4 (MANE Select); coding-DNA position 476, C replaced by T.
Protein change: p.Ser159Leu; replaces serine 159 with leucine.
Molecular consequence: missense variant. On other transcripts: non-coding transcript variant (1).
Genome position (GRCh38, 1-based): chr20:63,697,379, C>T. VCF-style: chr20-63697379-C-T. GRCh37 (hg19) VCF-style: chr20-62328732-C-T.
Other names: c.476C>T (NM_003823.3); short protein forms S159L.
Identifiers: ClinVar variation 1933761 (VCV001933761.6), dbSNP rs1043354184, ClinGen allele CA317534871.

ClinVar aggregate classification (germline): Uncertain significance. Review status: criteria provided, multiple submitters, no conflicts (2 of 4 stars). 2 submissions from 2 submitters: Uncertain significance (2). Last evaluated 2024-09-08.

Allele frequency attached by ClinVar (database versions not stated): gnomAD 0.00001; gnomAD exomes 0.00001; TOPMed 0.00001.

Submissions (2):

Ambry Genetics
Classification: Uncertain significance. Last evaluated: 2024-09-08. Review status: criteria provided, single submitter. Criteria: Ambry Variant Classification Scheme 2023. Collection method: clinical testing. Allele origin: germline.

Labcorp Genetics (formerly Invitae), Labcorp
Classification: Uncertain significance. Last evaluated: 2022-09-15. Review status: criteria provided, single submitter. Criteria: Invitae Variant Classification Sherloc (09022015). Collection method: clinical testing. Allele origin: germline.
Comment: This sequence change replaces serine, which is neutral and polar, with leucine, which is neutral and non-polar, at codon 159 of the TNFRSF6B protein (p.Ser159Leu). The frequency data for this variant in the population databases is considered unreliable, as metrics indicate poor data quality at this position in the gnomAD database. This variant has not been reported in the literature in individuals affected with TNFRSF6B-related conditions. Algorithms developed to predict the effect of missense changes on protein structure and function are either unavailable or do not agree on the potential impact of this missense change (SIFT: "Deleterious"; PolyPhen-2: "Probably Damaging"; Align-GVGD: "Class C0"). In summary, the available evidence is currently insufficient to determine the role of this variant in disease. Therefore, it has been classified as a Variant of Uncertain Significance.